The following is an entry in ClinVar:

ClinVar aggregate classification (germline): Uncertain significance. Review status: criteria provided, multiple submitters, no conflicts (2 of 4 stars). 3 submissions from 3 submitters: Uncertain significance (3). Last evaluated 2024-11-21.

Conditions:
Rothmund-Thomson syndrome type 2 (RTS2). Identifiers: Orphanet 221016, MedGen C5203410, MONDO:0016369, OMIM 268400.
Baller-Gerold syndrome (BGS). Also called: CRANIOSYNOSTOSIS WITH RADIAL DEFECTS. Identifiers: Orphanet 1225, MedGen C0265308, MONDO:0009039, OMIM 218600.

Allele frequency attached by ClinVar (database versions not stated): TOPMed 0.00003; ExAC 0.00005; gnomAD 0.00005; gnomAD exomes 0.00006; ESP Exome Variant Server 0.00008.

Submissions (3):

Labcorp Genetics (formerly Invitae), Labcorp
Classification: Uncertain significance for Baller-Gerold syndrome. Last evaluated: 2024-11-21. Review status: criteria provided, single submitter. Criteria: Invitae Variant Classification Sherloc (09022015). Collection method: clinical testing. Allele origin: germline.
Comment: This sequence change replaces valine, which is neutral and non-polar, with alanine, which is neutral and non-polar, at codon 624 of the RECQL4 protein (p.Val624Ala). This variant is present in population databases (rs370912793, gnomAD 0.01%). This variant has not been reported in the literature in individuals affected with RECQL4-related conditions. ClinVar contains an entry for this variant (Variation ID: 459349). Invitae Evidence Modeling of protein sequence and biophysical properties (such as structural, functional, and spatial information, amino acid conservation, physicochemical variation, residue mobility, and thermodynamic stability) indicates that this missense variant is expected to disrupt RECQL4 protein function with a positive predictive value of 80%. In summary, the available evidence is currently insufficient to determine the role of this variant in disease. Therefore, it has been classified as a Variant of Uncertain Significance.

St. Jude Molecular Pathology, St. Jude Children's Research Hospital
Classification: Uncertain significance for Rothmund-Thomson syndrome type 2. Last evaluated: 2024-07-24. Review status: criteria provided, single submitter. Criteria: St. Jude Assertion Criteria 2020. Collection method: clinical testing. Allele origin: germline.
Comment: The RECQL4 c.1871T>C (p.Val624Ala) missense change has a maximum subpopulation frequency of 0.01% in gnomAD v2.1.1. In silico tools are inconclusive about a pathogenic or benign effect of this variant on protein function, and functional studies have not been performed. This variant has not been reported in individuals with RECQL4-associated conditions. In summary, the evidence currently available is insufficient to determine the clinical significance of this variant. It has therefore been classified as of uncertain significance.

Institute for Clinical Genetics, University Hospital TU Dresden, University Hospital TU Dresden
Classification: Uncertain significance. Last evaluated: 2021-11-03. Review status: criteria provided, single submitter. Criteria: ACMG Guidelines, 2015. Collection method: clinical testing. Allele origin: germline.

NM_004260.4(RECQL4):c.1871T>C (p.Val624Ala)

Gene: RECQL4 (RecQ like helicase 4; minus strand). Cytogenetic location: 8q24.3.
Variant type: single nucleotide variant.
Coding change: c.1871T>C on transcript NM_004260.4 (MANE Select); coding-DNA position 1871, T replaced by C.
Protein change: p.Val624Ala; replaces valine 624 with alanine.
Molecular consequence: missense variant.
Genome position (GRCh38, 1-based): chr8:144,514,196, A>G on the plus strand (T>C on the coding strand, the complement: RECQL4 is on the minus strand). VCF-style: chr8-144514196-A-G. GRCh37 (hg19) VCF-style: chr8-145739580-A-G.
Other names: short protein forms V624A.
Identifiers: ClinVar variation 459349 (VCV000459349.13), dbSNP rs370912793, ClinGen allele CA4948626.